The following is an entry in ClinVar:

ClinVar aggregate classification (germline): Likely pathogenic (1 of 4 stars; one submission).

Conditions:
Annular epidermolytic ichthyosis. Identifiers: Orphanet 281139, MedGen C1843463, MONDO:0011870.

Submission:

KK Women’s and Children’s Hospital
Classification: Likely pathogenic for Ichthyosis, annular epidermolytic 1. Last evaluated: 2021-02-28. Review status: criteria provided, single submitter. Criteria: ACMG Guidelines, 2015. Collection method: clinical testing. Allele origin: maternal. Inheritance: Autosomal dominant inheritance. Affected: yes. Observed: 1 variant allele, 1 heterozygote.

NM_006121.4(KRT1):c.564C>G (p.Asn188Lys)

Gene: KRT1 (keratin 1; minus strand). Cytogenetic location: 12q13.13.
Variant type: single nucleotide variant.
Coding change: c.564C>G on transcript NM_006121.4 (MANE Select); coding-DNA position 564, C replaced by G.
Protein change: p.Asn188Lys; replaces asparagine 188 with lysine.
Molecular consequence: missense variant.
Genome position (GRCh38, 1-based): chr12:52,679,785, G>C on the plus strand (C>G on the coding strand, the complement: KRT1 is on the minus strand). VCF-style: chr12-52679785-G-C. GRCh37 (hg19) VCF-style: chr12-53073569-G-C.
Other names: short protein forms N188K.
Identifiers: ClinVar variation 997963 (VCV000997963.2), dbSNP rs59429455, ClinGen allele CA384974914.